The following is an entry in ClinVar:

NM_001034853.2(RPGR):c.155-1G>A

Gene: RPGR (retinitis pigmentosa GTPase regulator; minus strand). Cytogenetic location: Xp11.4.
Variant type: single nucleotide variant.
Coding change: c.155-1G>A on transcript NM_001034853.2 (MANE Select); the canonical splice acceptor site of the intron before coding-DNA position 155, G replaced by A.
Molecular consequence: splice acceptor variant.
Genome position (GRCh38, 1-based): chrX:38,322,946, C>T on the plus strand (G>A on the coding strand, the complement: RPGR is on the minus strand). VCF-style: chrX-38322946-C-T. GRCh37 (hg19) VCF-style: chrX-38182199-C-T.
Other names: c.155-1G>A (NM_001367249.1, NM_001367250.1, NM_001367245.1 and 4 more transcripts); c.185-1G>A (NM_001367248.1).
Identifiers: ClinVar variation 636104 (VCV000636104.7), dbSNP rs1601982595, ClinGen allele CA412745716.
Genomic context (GRCh38, chrX:38,322,946, plus strand): 5'-TTGATCCTAATCCTAACTGACCCCAGTTGTTACTGCCAAACATGTAAAGTTTATTATTTC[C>T]TGGTAGGAGGGAAAAAGAAATAATCAATTGAAGCATTTTTCACATAATGTAAGATGAGGT-3'

ClinVar aggregate classification (germline): Pathogenic. Review status: reviewed by expert panel (3 of 4 stars). 4 submissions from 4 submitters: Pathogenic (1). 3 of the submissions do not count toward it. Last evaluated 2026-09-26.

Conditions:
RPGR-related retinopathy. Also called: RPGR retinopathy. Identifiers: MedGen CN305589, MONDO:0100437.
Cone-rod dystrophy. Also called: Cone-rod degeneration; Cone/cone-rod dystrophy. Identifiers: Orphanet 1872, MedGen C4085590, MONDO:0015993, HP:0000548.
RPGR-related disorder. Also called: RPGR-related condition.

Submissions (4):

ClinGen X-linked Inherited Retinal Disease Variant Curation Expert Panel, ClinGen
Classification: Pathogenic for RPGR-related retinopathy. Last evaluated: 2026-09-26. Review status: reviewed by expert panel. Criteria: ClinGen X LinkedIRD ACMG Specifications RPGR V1.0.0. Collection method: curation. Allele origin: germline. Inheritance: X-linked inheritance.
Comment: The NM_001034853.2(RPGR):c.155-1G>A variant is a canonical splice site variant in intron 2, located 2 nucleotides before exon 3. This variant occurs at a canonical splice site in intron 2 and is predicted to disrupt splicing and induce skipping of exon 3, which is expected to disrupt a critical functional domain in RPGR (PVS1). This variant is absent from hemizygous individuals in gnomAD v4.1.0 (PM2_Supporting). At least one proband harboring this variant exhibits the following phenotypes, including Required: <30 years old, has ERG/FAF, and early-onset (1 PT), night blindness (0.5 PTs), reduced visual acuity (0.5 PTs), high myopia (1 PT), visual fields were markedly constricted (0.5 PTs), non-recordable ERG (1 PT), X-linked inheritance (2 PTs), Delayed or milder phenotype in females (1 PT), which together are specific for RPGR-related retinopathy (7.5 Points, PMID: 14516808, PP4). This variant has been reported in at least 1 apparently unrelated probands (PMID: 30718709). However, the number of individuals meeting the PS4 requirement of a male with some functional vision impairment by age 30 and/or decreased or absent ERG responses, or a female with functional visual abnormality and documentation of a male relative affected with retinitis pigmentosa, was fewer than the requirement of at least 2 unrelated probands, so PS4_Supporting was not met. In summary, this variant is classified as pathogenic for RPGR-related retinopathy based on the ClinGen X-linked Inherited Retinal Disease Expert Panel Specifications to the ACMG/AMP Variant Interpretation Guidelines for RPGR Version 1.0.0: PVS1, PM2_Supporting, and PP4.

Blueprint Genetics
Classification: Pathogenic for RPGR-related disorders. Last evaluated: 2019-11-07. Review status: criteria provided, single submitter. Criteria: ACMG Guidelines, 2015. Collection method: clinical testing. Allele origin: germline. Affected: yes. Observed: 2 variant alleles. Not counted in ClinVar's aggregate classification.

PreventionGenetics, part of Exact Sciences
Classification: Pathogenic for RPGR-related condition. Last evaluated: 2024-05-02. Review status: no assertion criteria provided. Collection method: clinical testing. Allele origin: germline. Not counted in ClinVar's aggregate classification.
Comment: The RPGR c.155-1G>A variant is predicted to disrupt the AG splice acceptor site and interfere with normal splicing. This variant has been reported in individuals with retinitis pigmentosa (reported as IVS 2-1 in Koenekoop et al. 2003. PubMed ID: 14516808; Table S4 in Jespersgaard et al. 2019. PubMed ID: 30718709). This variant has not been reported in a large population database, indicating this variant is rare. Variants that disrupt the consensus splice acceptor site in RPGR are expected to be pathogenic. Given the evidence, we interpret c.155-1G>A as pathogenic.

Department of Clinical Genetics, Copenhagen University Hospital, Rigshospitalet
Classification: Likely pathogenic for Cone-rod dystrophy. Last evaluated: 2018-04-01. Review status: no assertion criteria provided. Collection method: research. Allele origin: unknown. Affected: yes. Study: VeluxRD. Not counted in ClinVar's aggregate classification.

Literature cited by the submitters: PubMed 30718709 (cited by Department of Clinical Genetics, Copenhagen University Hospital, Rigshospitalet).